The following is an entry in ClinVar:

ClinVar aggregate classification (germline): Uncertain significance (1 of 4 stars; one submission).

Allele frequency attached by ClinVar (database versions not stated): gnomAD 0.00027 and 0.00024; ExAC 0.00002; gnomAD exomes 0.00002 and 0.00004; ESP Exome Variant Server 0.00008; TOPMed 0.00040.
gnomAD v4.1: 69 of 1,613,926 alleles (0.0043%); highest among the groups gnomAD compares: African/African-American, 0.053%; no homozygotes.

Submission:

Labcorp Genetics (formerly Invitae), Labcorp
Classification: Uncertain significance. Last evaluated: 2025-08-19. Review status: criteria provided, single submitter. Criteria: Invitae Variant Classification Sherloc (09022015). Collection method: clinical testing. Allele origin: germline.
Comment: This sequence change replaces methionine, which is neutral and non-polar, with valine, which is neutral and non-polar, at codon 255 of the ANGPT1 protein (p.Met255Val). This variant is present in population databases (rs377753434, gnomAD 0.04%). This variant has not been reported in the literature in individuals affected with ANGPT1-related conditions. ClinVar contains an entry for this variant (Variation ID: 1505668). An algorithm developed to predict the effect of missense changes on protein structure and function (PolyPhen-2) suggests that this variant is likely to be tolerated. In summary, the available evidence is currently insufficient to determine the role of this variant in disease. Therefore, it has been classified as a Variant of Uncertain Significance.

NM_001146.5(ANGPT1):c.763A>G (p.Met255Val)

Gene: ANGPT1 (angiopoietin 1; minus strand). Cytogenetic location: 8q23.1.
Variant type: single nucleotide variant.
Coding change: c.763A>G on transcript NM_001146.5 (MANE Select); coding-DNA position 763, A replaced by G.
Protein change: p.Met255Val; replaces methionine 255 with valine.
Molecular consequence: missense variant.
Genome position (GRCh38, 1-based): chr8:107,321,941, T>C on the plus strand (A>G on the coding strand, the complement: ANGPT1 is on the minus strand). VCF-style: chr8-107321941-T-C. GRCh37 (hg19) VCF-style: chr8-108334169-T-C.
Other names: c.763A>G, p.Met255Val (NM_001199859.3); c.163A>G, p.Met55Val (NM_001314051.2); short protein forms M55V, M255V.
Identifiers: ClinVar variation 1505668 (VCV001505668.8), dbSNP rs377753434, ClinGen allele CA4841272.